The following is an entry in ClinVar:

NM_004463.3(FGD1):c.1564C>T (p.Arg522Cys)

Gene: FGD1 (FYVE, RhoGEF and PH domain containing 1; minus strand). Cytogenetic location: Xp11.22.
Variant type: single nucleotide variant.
Coding change: c.1564C>T on transcript NM_004463.3 (MANE Select); coding-DNA position 1564, C replaced by T.
Protein change: p.Arg522Cys; replaces arginine 522 with cysteine.
Molecular consequence: missense variant.
Genome position (GRCh38, 1-based): chrX:54,465,523, G>A on the plus strand (C>T on the coding strand, the complement: FGD1 is on the minus strand). VCF-style: chrX-54465523-G-A. GRCh37 (hg19) VCF-style: chrX-54491956-G-A.
Other names: short protein forms R522C.
Identifiers: ClinVar variation 288809 (VCV000288809.9), dbSNP rs398124159, ClinGen allele CA10606230.
Genomic context (GRCh38, chrX:54,465,523, plus strand): 5'-TGCTGTCCGGGGAGCCATGGGGCAGCTTTAACAGATAGTCCTTGAGAAGAAGCTCATAGC[G>A]GGGGATGCGCTGCACAGGCTCCAGCATGTGGTGCTGCAATGTCAGGTTGCCACAGGCTTC-3'
Protein context (NP_004454.2, residues 512-532): HMLEPVQRIP[Arg522Cys]YELLLKDYLL

ClinVar aggregate classification (germline): Conflicting classifications of pathogenicity. Review status: criteria provided, conflicting classifications (1 of 4 stars). 2 submissions from 2 submitters: Pathogenic (1); Uncertain significance (1). Last evaluated 2025-06-05.

Allele frequency attached by ClinVar (database versions not stated): gnomAD exomes below 0.00001.
gnomAD v4.1: 1 of 1,209,635 alleles (0.000083%); highest among the groups gnomAD compares: Non-Finnish European, 0.00011%; no homozygotes.

Submissions (2):

GeneDx
Classification: Pathogenic. Last evaluated: 2025-06-05. Review status: criteria provided, single submitter. Criteria: GeneDx Variant Classification Process June 2021. Collection method: clinical testing. Allele origin: germline. Affected: yes.
Comment: Not observed at significant frequency in large population cohorts (gnomAD); In silico analysis supports that this missense variant has a deleterious effect on protein structure/function; This variant is associated with the following publications: (PMID: 35982159, 33057194)

Eurofins Ntd Llc (ga)
Classification: Uncertain significance. Last evaluated: 2018-03-06. Review status: criteria provided, single submitter. Criteria: EGL ClinVar v180209 classification definitions. Collection method: clinical testing. Allele origin: germline. Observed: 1 variant allele, 1 hemizygote.